The following is an entry in ClinVar:

NM_020987.5(ANK3):c.2369A>G (p.Asn790Ser)

Gene: ANK3 (ankyrin 3; minus strand). Cytogenetic location: 10q21.2.
Variant type: single nucleotide variant.
Coding change: c.2369A>G on transcript NM_020987.5 (MANE Select); coding-DNA position 2369, A replaced by G.
Protein change: p.Asn790Ser; replaces asparagine 790 with serine.
Molecular consequence: missense variant.
Genome position (GRCh38, 1-based): chr10:60,172,913, T>C on the plus strand (A>G on the coding strand, the complement: ANK3 is on the minus strand). VCF-style: chr10-60172913-T-C. GRCh37 (hg19) VCF-style: chr10-61932671-T-C.
Other names: c.2351A>G, p.Asn784Ser (NM_001204403.2); c.2318A>G, p.Asn773Ser (NM_001204404.2); c.2369A>G, p.Asn790Ser (NM_001320874.2); short protein forms N773S, N784S, N790S.
Identifiers: ClinVar variation 2979797 (VCV002979797.3), dbSNP rs200760889, ClinGen allele CA5512844.

ClinVar aggregate classification (germline): Uncertain significance (1 of 4 stars; one submission).

Allele frequency attached by ClinVar (database versions not stated): gnomAD 0.00003; TOPMed 0.00004; gnomAD exomes 0.00005; ExAC 0.00006; ESP Exome Variant Server 0.00008; 1000 Genomes Project 0.00040; 1000 Genomes Project 30x 0.00047.
gnomAD v4.1: 80 of 1,613,132 alleles (0.005%); highest among the groups gnomAD compares: South Asian, 0.02%; no homozygotes.

Submission:

Labcorp Genetics (formerly Invitae), Labcorp
Classification: Uncertain significance. Last evaluated: 2023-07-25. Review status: criteria provided, single submitter. Criteria: Invitae Variant Classification Sherloc (09022015). Collection method: clinical testing. Allele origin: germline.
Comment: This sequence change replaces asparagine, which is neutral and polar, with serine, which is neutral and polar, at codon 790 of the ANK3 protein (p.Asn790Ser). This variant is present in population databases (rs200760889, gnomAD 0.02%). This variant has not been reported in the literature in individuals affected with ANK3-related conditions. Advanced modeling of protein sequence and biophysical properties (such as structural, functional, and spatial information, amino acid conservation, physicochemical variation, residue mobility, and thermodynamic stability) has been performed at Invitae for this missense variant, however the output from this modeling did not meet the statistical confidence thresholds required to predict the impact of this variant on ANK3 protein function. In summary, the available evidence is currently insufficient to determine the role of this variant in disease. Therefore, it has been classified as a Variant of Uncertain Significance.